The following is an entry in ClinVar:

NM_000266.4(NDP):c.134T>C (p.Val45Ala)

Genes: NDP (norrin cystine knot growth factor NDP; minus strand), NDP-AS1 (NDP antisense RNA 1; plus strand). Cytogenetic location: Xp11.3.
Variant type: single nucleotide variant.
Coding change: c.134T>C on transcript NM_000266.4 (MANE Select); coding-DNA position 134, T replaced by C.
Protein change: p.Val45Ala; replaces valine 45 with alanine.
Molecular consequence: missense variant.
Genome position (GRCh38, 1-based): chrX:43,958,512, A>G on the plus strand (T>C on the coding strand, the complement: NDP is on the minus strand). VCF-style: chrX-43958512-A-G. GRCh37 (hg19) VCF-style: chrX-43817758-A-G.
Other names: short protein forms V45A.
Identifiers: ClinVar variation 4711430 (VCV004711430.1).

ClinVar aggregate classification (germline): Uncertain significance (1 of 4 stars; one submission).

Submission:

Labcorp Genetics (formerly Invitae), Labcorp
Classification: Uncertain significance. Last evaluated: 2025-05-30. Review status: criteria provided, single submitter. Criteria: Invitae Variant Classification Sherloc (09022015). Collection method: clinical testing. Allele origin: germline.
Comment: This sequence change replaces valine, which is neutral and non-polar, with alanine, which is neutral and non-polar, at codon 45 of the NDP protein (p.Val45Ala). This variant is not present in population databases (gnomAD no frequency). This variant has not been reported in the literature in individuals affected with NDP-related conditions. Invitae Evidence Modeling of protein sequence and biophysical properties (such as structural, functional, and spatial information, amino acid conservation, physicochemical variation, residue mobility, and thermodynamic stability) has been performed for this missense variant. However, the output from this modeling did not meet the statistical confidence thresholds required to predict the impact of this variant on NDP protein function. This variant disrupts the p.Val45 amino acid residue in NDP. Other variant(s) that disrupt this residue have been observed in individuals with NDP-related conditions (PMID: 14635119, 30452590; internal data), which suggests that this may be a clinically significant amino acid residue. In summary, the available evidence is currently insufficient to determine the role of this variant in disease. Therefore, it has been classified as a Variant of Uncertain Significance.

Literature cited by the submitters: PubMed 14635119; PubMed 30452590.